The following is an entry in ClinVar:

NM_003640.5(ELP1):c.3346+110C>T

Gene: ELP1 (elongator acetyltransferase complex subunit 1; minus strand). Cytogenetic location: 9q31.3.
Variant type: single nucleotide variant.
Coding change: c.3346+110C>T on transcript NM_003640.5 (MANE Select); 110 bases into the intron after coding-DNA position 3346, C replaced by T.
Molecular consequence: intron variant.
Genome position (GRCh38, 1-based): chr9:108,881,595, G>A on the plus strand (C>T on the coding strand, the complement: ELP1 is on the minus strand). VCF-style: chr9-108881595-G-A. GRCh37 (hg19) VCF-style: chr9-111643875-G-A.
Other names: c.3004+110C>T (NM_001318360.2); c.2299+110C>T (NM_001330749.2).
Identifiers: ClinVar variation 681939 (VCV000681939.2), dbSNP rs7873793, ClinGen allele CA15606772.

ClinVar aggregate classification (germline): Benign. Review status: criteria provided, multiple submitters, no conflicts (2 of 4 stars). 2 submissions from 2 submitters: Benign (2). Last evaluated 2018-06-19.

Allele frequency attached by ClinVar (database versions not stated): gnomAD 0.21798 and 0.21922; TOPMed 0.22054; 1000 Genomes Project 30x 0.24407; 1000 Genomes Project 0.24541.

Submissions (2):

GeneDx
Classification: Benign. Last evaluated: 2018-06-19. Review status: criteria provided, single submitter. Criteria: GeneDx Variant Classification (06012015). Collection method: clinical testing. Allele origin: germline. Affected: yes.
Comment: This variant is considered likely benign or benign based on one or more of the following criteria: it is a conservative change, it occurs at a poorly conserved position in the protein, it is predicted to be benign by multiple in silico algorithms, and/or has population frequency not consistent with disease.

Breakthrough Genomics
Classification: Benign. Review status: criteria provided, single submitter. Criteria: ACMG Guidelines, 2015. Collection method: not provided. Allele origin: germline. Inheritance: Autosomal recessive inheritance. Affected: yes.